The following is an entry in ClinVar:

NM_001011547.3(SLC5A9):c.691+3A>G

Gene: SLC5A9 (solute carrier family 5 member 9; plus strand). Cytogenetic location: 1p33.
Variant type: single nucleotide variant.
Coding change: c.691+3A>G on transcript NM_001011547.3 (MANE Select); 3 bases into the intron after coding-DNA position 691, A replaced by G.
Molecular consequence: intron variant.
Genome position (GRCh38, 1-based): chr1:48,231,628, A>G. VCF-style: chr1-48231628-A-G. GRCh37 (hg19) VCF-style: chr1-48697300-A-G.
Other names: c.766+3A>G (NM_001135181.2).
Identifiers: ClinVar variation 3041526 (VCV003041526.2), dbSNP rs202041931, ClinGen allele CA843639.

ClinVar aggregate classification (germline): Likely benign (0 of 4 stars; one submission).

Conditions:
SLC5A9-related disorder. Also called: SLC5A9-related condition.

Allele frequency attached by ClinVar (database versions not stated): TOPMed 0.00012; gnomAD 0.00018; gnomAD exomes 0.00020; ESP Exome Variant Server 0.00023; ExAC 0.00039; 1000 Genomes Project 0.00060; 1000 Genomes Project 30x 0.00078.
gnomAD v4.1: 329 of 1,614,110 alleles (0.02%); highest among the groups gnomAD compares: South Asian, 0.19%; 1 homozygote.

Submission:

PreventionGenetics, part of Exact Sciences
Classification: Likely benign for SLC5A9-related condition. Last evaluated: 2019-05-14. Review status: no assertion criteria provided. Collection method: clinical testing. Allele origin: germline.
Comment: This variant is classified as likely benign based on ACMG/AMP sequence variant interpretation guidelines (Richards et al. 2015 PMID: 25741868, with internal and published modifications).